The following is an entry in ClinVar:

ClinVar aggregate classification (germline): Uncertain significance (1 of 4 stars; one submission).

Conditions:
Charcot-Marie-Tooth disease axonal type 2P. Also called: CHARCOT-MARIE-TOOTH NEUROPATHY, TYPE 2P; Charcot-Marie-Tooth Neuropathy Type 2G; CHARCOT-MARIE-TOOTH DISEASE, AXONAL, TYPE 2G; CMT 2G. Identifiers: Orphanet 300319, Orphanet 99941, MedGen C3280797, MONDO:0013753, OMIM 614436.

Allele frequency attached by ClinVar (database versions not stated): gnomAD 0.00001; gnomAD exomes below 0.00001.
gnomAD v4.1: 6 of 1,612,478 alleles (0.00037%); highest among the groups gnomAD compares: South Asian, 0.0011%; no homozygotes.

Submission:

Labcorp Genetics (formerly Invitae), Labcorp
Classification: Uncertain significance for Charcot-Marie-Tooth disease axonal type 2P. Last evaluated: 2025-09-13. Review status: criteria provided, single submitter. Criteria: Invitae Variant Classification Sherloc (09022015). Collection method: clinical testing. Allele origin: germline.
Comment: This sequence change falls in intron 19 of the LRSAM1 gene. It does not directly change the encoded amino acid sequence of the LRSAM1 protein. This variant is not present in population databases (gnomAD no frequency). This variant has been observed in individual(s) with clinical features of autosomal dominant Charcot-Marie-Tooth disease (internal data). ClinVar contains an entry for this variant (Variation ID: 2742203). Algorithms developed to predict the effect of sequence changes on RNA splicing suggest that this variant may disrupt the consensus splice site. In summary, the available evidence is currently insufficient to determine the role of this variant in disease. Therefore, it has been classified as a Variant of Uncertain Significance.

NM_001005373.4(LRSAM1):c.1504-14G>A

Gene: LRSAM1 (leucine rich repeat and sterile alpha motif containing 1; plus strand). Cytogenetic location: 9q33.3.
Variant type: single nucleotide variant.
Coding change: c.1504-14G>A on transcript NM_001005373.4 (MANE Select); 14 bases into the intron before coding-DNA position 1504, G replaced by A.
Molecular consequence: intron variant.
Genome position (GRCh38, 1-based): chr9:127,492,788, G>A. VCF-style: chr9-127492788-G-A. GRCh37 (hg19) VCF-style: chr9-130255067-G-A.
Other names: c.1504-14G>A (NM_138361.5, NM_001384142.1, NM_001384143.1 and 1 more transcripts); c.1423-14G>A (NM_001190723.3); c.715-14G>A (NM_001384144.1).
Identifiers: ClinVar variation 2742203 (VCV002742203.3), dbSNP rs1381416402, ClinGen allele CA860180701.